The following is an entry in ClinVar:

NM_000458.4(HNF1B):c.1062G>T (p.Gln354His)

Gene: HNF1B (HNF1 homeobox B; minus strand). Cytogenetic location: 17q12.
Variant type: single nucleotide variant.
Coding change: c.1062G>T on transcript NM_000458.4 (MANE Select); coding-DNA position 1062, G replaced by T.
Protein change: p.Gln354His; replaces glutamine 354 with histidine.
Molecular consequence: missense variant.
Genome position (GRCh38, 1-based): chr17:37,710,647, C>A on the plus strand (G>T on the coding strand, the complement: HNF1B is on the minus strand). VCF-style: chr17-37710647-C-A. GRCh37 (hg19) VCF-style: chr17-36070655-C-A.
Other names: c.984G>T, p.Gln328His (NM_001165923.4, NM_001304286.2); c.1062G>T, p.Gln354His (NM_001411100.1); short protein forms Q328H, Q354H.
Identifiers: ClinVar variation 1780802 (VCV001780802.3), dbSNP rs202109472, ClinGen allele CA398759954.

ClinVar aggregate classification (germline): Uncertain significance. Review status: criteria provided, multiple submitters, no conflicts (2 of 4 stars). 2 submissions from 2 submitters: Uncertain significance (2). Last evaluated 2024-04-08.

Conditions:
Nonpapillary renal cell carcinoma. Identifiers: Orphanet 422526, MedGen CN074294, MONDO:0007763, OMIM 144700.
Renal cysts and diabetes syndrome (RCAD). Also called: Familial hypoplastic, glomerulocystic kidney; MATURITY-ONSET DIABETES OF THE YOUNG, TYPE 5. Identifiers: Orphanet 93111, MedGen C0431693, MONDO:0007669, OMIM 137920.
Type 2 diabetes mellitus. Also called: Type II diabetes mellitus. Identifiers: MedGen C0011860, MeSH D003924, MONDO:0005148, OMIM 125853, HP:0005978.
Maturity-onset diabetes of the young (MODY). Also called: Maturity onset diabetes mellitus in young. Identifiers: Orphanet 552, MedGen C0342276, MONDO:0018911, HP:0004904.

Allele frequency attached by ClinVar (database versions not stated): TOPMed below 0.00001.
gnomAD v4.1: 14 of 1,613,976 alleles (0.00087%); highest among the groups gnomAD compares: Non-Finnish European, 0.0012%; no homozygotes.

Submissions (2):

Fulgent Genetics
Classification: Uncertain significance for Type 2 diabetes mellitus; Renal cysts and diabetes syndrome; Nonpapillary renal cell carcinoma. Last evaluated: 2024-04-08. Review status: criteria provided, single submitter. Criteria: ACMG Guidelines, 2015. Collection method: clinical testing. Allele origin: germline.

Ambry Genetics
Classification: Uncertain significance for Maturity-onset diabetes of the young. Last evaluated: 2017-03-01. Review status: criteria provided, single submitter. Criteria: Ambry Variant Classification Scheme 2023. Collection method: clinical testing. Allele origin: germline.
Comment: The p.Q354H variant (also known as c.1062G>T), located in coding exon 5 of the HNF1B gene, results from a G to T substitution at nucleotide position 1062. The glutamine at codon 354 is replaced by histidine, an amino acid with highly similar properties. This amino acid position is highly conserved in available vertebrate species. In addition, this alteration is predicted to be deleterious by in silico analysis. Since supporting evidence is limited at this time, the clinical significance of this alteration remains unclear.